The following is an entry in ClinVar:

NM_001099271.2(POC5):c.771C>T (p.Ile257=)

Gene: POC5 (POC5 centriolar protein; minus strand). Cytogenetic location: 5q13.3.
Variant type: single nucleotide variant.
Coding change: c.771C>T on transcript NM_001099271.2 (MANE Select); coding-DNA position 771, C replaced by T.
Protein change: p.Ile257=; no amino-acid change (isoleucine 257 retained).
Molecular consequence: synonymous variant.
Genome position (GRCh38, 1-based): chr5:75,692,420, G>A on the plus strand (C>T on the coding strand, the complement: POC5 is on the minus strand). VCF-style: chr5-75692420-G-A. GRCh37 (hg19) VCF-style: chr5-74988245-G-A.
Other names: c.696C>T, p.Ile232= (NM_152408.3).
Identifiers: ClinVar variation 2121574 (VCV002121574.4), dbSNP rs371551729, ClinGen allele CA3310491.
Genomic context (GRCh38, chr5:75,692,420, plus strand): 5'-TAACATCCATCAGCTGTCTTCTGCTTTGACACTTACATCCTGTCTGGCTCTGACATGGCC[G>A]ATTCGCCAGTGGAAGAATGTTCTCATCAACTCTATCTTTTCCTTTTGCTTGCCTATGGCA-3'
Protein context (NP_001092741.1, residues 247-267): ELMRTFFHWR[Ile257=]GHVRARQDVY

ClinVar aggregate classification (germline): Uncertain significance (1 of 4 stars; one submission).

Allele frequency attached by ClinVar (database versions not stated): gnomAD 0.00001; ExAC 0.00002; TOPMed 0.00002; ESP Exome Variant Server 0.00008.
gnomAD v4.1: 18 of 1,591,922 alleles (0.0011%); highest among the groups gnomAD compares: Non-Finnish European, 0.0014%; no homozygotes.

Submission:

Labcorp Genetics (formerly Invitae), Labcorp
Classification: Uncertain significance. Last evaluated: 2024-04-08. Review status: criteria provided, single submitter. Criteria: Invitae Variant Classification Sherloc (09022015). Collection method: clinical testing. Allele origin: germline.
Comment: This sequence change affects codon 257 of the POC5 mRNA. It is a 'silent' change, meaning that it does not change the encoded amino acid sequence of the POC5 protein. The frequency data for this variant in the population databases is considered unreliable, as metrics indicate poor data quality at this position in the gnomAD database. This variant has not been reported in the literature in individuals affected with POC5-related conditions. ClinVar contains an entry for this variant (Variation ID: 2121574). Algorithms developed to predict the effect of sequence changes on RNA splicing suggest that this variant may disrupt the consensus splice site. In summary, the available evidence is currently insufficient to determine the role of this variant in disease. Therefore, it has been classified as a Variant of Uncertain Significance.